The following is an entry in ClinVar:

ClinVar aggregate classification (germline): Conflicting classifications of pathogenicity. Review status: criteria provided, conflicting classifications (1 of 4 stars). 7 submissions from 7 submitters: Uncertain significance (6); Likely benign (1). Last evaluated 2025-12-02.

Conditions:
Familial cancer of breast. Also called: hereditary breast carcinoma; BREAST CANCER, FAMILIAL; Hereditary breast cancer. Identifiers: Orphanet 227535, MedGen C0346153, MONDO:0016419, OMIM 114480. Disease mechanism: loss of function.
Hereditary breast ovarian cancer syndrome. Also called: Hereditary breast and ovarian cancer; Breast and ovarian cancer; BRCA1- and BRCA2-Associated Hereditary Breast and Ovarian Cancer; Hereditary breast and ovarian cancer syndrome; Hereditary breast and ovarian cancer syndrome (HBOC); Hereditary breast and/or ovarian cancer syndrome. Identifiers: Orphanet 145, MedGen C0677776, MeSH D061325, MONDO:0003582. Disease mechanism: loss of function.
Hereditary cancer-predisposing syndrome. Also called: Tumor predisposition; Hereditary Cancer Syndrome; Hereditary neoplastic syndrome; Neoplastic Syndromes, Hereditary. Identifiers: Orphanet 140162, MedGen C0027672, MeSH D009386, MONDO:0015356.
Breast-ovarian cancer, familial, susceptibility to, 2 (BROVCA2). Also called: BRCA2 Hereditary Breast and Ovarian Cancer. Identifiers: Orphanet 145, MedGen C2675520, MONDO:0012933, OMIM 612555. Disease mechanism: loss of function.

Allele frequency attached by ClinVar (database versions not stated): gnomAD exomes below 0.00001.
gnomAD v4.1: 3 of 1,612,638 alleles (0.00019%); highest among the groups gnomAD compares: Admixed American, 0.005%; no homozygotes.

Submissions (7):

Labcorp Genetics (formerly Invitae), Labcorp
Classification: Uncertain significance for Hereditary breast ovarian cancer syndrome. Last evaluated: 2025-12-02. Review status: criteria provided, single submitter. Criteria: Invitae Variant Classification Sherloc (09022015). Collection method: clinical testing. Allele origin: germline.
Comment: This sequence change replaces alanine, which is neutral and non-polar, with proline, which is neutral and non-polar, at codon 199 of the BRCA2 protein (p.Ala199Pro). This variant is present in population databases (no rsID available, gnomAD 0.003%). This missense change has been observed in individual(s) with prostate cancer (PMID: 36922933). ClinVar contains an entry for this variant (Variation ID: 234884). Invitae Evidence Modeling of protein sequence and biophysical properties (such as structural, functional, and spatial information, amino acid conservation, physicochemical variation, residue mobility, and thermodynamic stability) indicates that this missense variant is not expected to disrupt BRCA2 protein function with a negative predictive value of 95%. In summary, the available evidence is currently insufficient to determine the role of this variant in disease. Therefore, it has been classified as a Variant of Uncertain Significance.

Myriad Genetics, Inc.
Classification: Likely benign for Breast-ovarian cancer, familial, susceptibility to, 2. Last evaluated: 2025-03-20. Review status: criteria provided, single submitter. Criteria: Myriad Autosomal Dominant, Autosomal Recessive and X-Linked Classification Criteria (2023). Collection method: clinical testing. Allele origin: unknown.
Comment: This variant is considered likely benign. This variant is strongly associated with less severe personal and family histories of cancer, typical for individuals without pathogenic variants in this gene [PMID: 25085752].

Quest Diagnostics Nichols Institute San Juan Capistrano
Classification: Uncertain significance. Last evaluated: 2024-09-02. Review status: criteria provided, single submitter. Criteria: Quest Diagnostics criteria. Collection method: clinical testing. Allele origin: unknown.
Comment: The BRCA2 c.595G>C (p.Ala199Pro) variant has been reported in the published literature in an individual with prostate cancer (PMID: 36922933 (2022)). The frequency of this variant in the general population, 0.000004 (1/251390 chromosomes (Genome Aggregation Database)), is uninformative in the assessment of its pathogenicity. Analysis of this variant using bioinformatics tools for the prediction of the effect of amino acid changes on protein structure and function yielded conflicting predictions that this variant is benign or damaging. Based on the available information, we are unable to determine the clinical significance of this variant.

Baylor Genetics
Classification: Uncertain significance for Familial cancer of breast. Last evaluated: 2024-03-26. Review status: criteria provided, single submitter. Criteria: ACMG Guidelines, 2015. Collection method: clinical testing. Allele origin: unknown.

Ambry Genetics
Classification: Uncertain significance for Hereditary cancer-predisposing syndrome. Last evaluated: 2023-12-18. Review status: criteria provided, single submitter. Criteria: Ambry Variant Classification Scheme 2023. Collection method: clinical testing. Allele origin: germline.
Comment: The p.A199P variant (also known as c.595G>C), located in coding exon 6 of the BRCA2 gene, results from a G to C substitution at nucleotide position 595. The alanine at codon 199 is replaced by proline, an amino acid with highly similar properties. This amino acid position is highly conserved in available vertebrate species. In addition, the in silico prediction for this alteration is inconclusive. Since supporting evidence is limited at this time, the clinical significance of this alteration remains unclear.

GeneDx
Classification: Uncertain significance. Last evaluated: 2023-10-02. Review status: criteria provided, single submitter. Criteria: GeneDx Variant Classification Process June 2021. Collection method: clinical testing. Allele origin: germline. Affected: yes.
Comment: Not observed at significant frequency in large population cohorts (gnomAD); In silico analysis supports that this missense variant does not alter protein structure/function; Has not been previously published as pathogenic or benign to our knowledge; Also known as 823G>C; This variant is associated with the following publications: (PMID: 29884841, 32377563)

Women's Health and Genetics/Laboratory Corporation of America, LabCorp
Classification: Uncertain significance. Last evaluated: 2023-07-24. Review status: criteria provided, single submitter. Criteria: LabCorp Variant Classification Summary - May 2015. Collection method: clinical testing. Allele origin: germline.

Literature cited by the submitters: PubMed 36922933 (cited by Labcorp Genetics (formerly Invitae), Labcorp and Quest Diagnostics Nichols Institute San Juan Capistrano); PubMed 25085752 (cited by Myriad Genetics, Inc.).

NM_000059.4(BRCA2):c.595G>C (p.Ala199Pro)

Gene: BRCA2 (BRCA2 DNA repair associated; plus strand). Cytogenetic location: 13q13.1.
Variant type: single nucleotide variant.
Coding change: c.595G>C on transcript NM_000059.4 (MANE Select); coding-DNA position 595, G replaced by C.
Protein change: p.Ala199Pro; replaces alanine 199 with proline.
Molecular consequence: missense variant.
Genome position (GRCh38, 1-based): chr13:32,326,577, G>C. VCF-style: chr13-32326577-G-C. GRCh37 (hg19) VCF-style: chr13-32900714-G-C.
Other names: short protein forms A199P.
Identifiers: ClinVar variation 234884 (VCV000234884.24), dbSNP rs376582345, ClinGen allele CA10577460.